The following is an entry in ClinVar:

ClinVar aggregate classification (germline): Uncertain significance (1 of 4 stars; one submission).

Submission:

Greenwood Genetic Center Diagnostic Laboratories, Greenwood Genetic Center
Classification: Uncertain significance. Last evaluated: 2024-04-08. Review status: criteria provided, single submitter. Criteria: ACMG Guidelines, 2015. Collection method: clinical testing. Allele origin: germline. Affected: yes.
Comment: Gene of Uncertain Significance

NM_182706.5(SCRIB):c.2678T>G (p.Phe893Cys)

Gene: SCRIB (scribble planar cell polarity protein; minus strand). Cytogenetic location: 8q24.3.
Variant type: single nucleotide variant.
Coding change: c.2678T>G on transcript NM_182706.5 (MANE Select); coding-DNA position 2678, T replaced by G.
Protein change: p.Phe893Cys; replaces phenylalanine 893 with cysteine.
Molecular consequence: missense variant.
Genome position (GRCh38, 1-based): chr8:143,805,007, A>C on the plus strand (T>G on the coding strand, the complement: SCRIB is on the minus strand). VCF-style: chr8-143805007-A-C. GRCh37 (hg19) VCF-style: chr8-144887177-A-C.
Other names: c.2678T>G, p.Phe893Cys (NM_015356.5); short protein forms F893C.
Identifiers: ClinVar variation 3338577 (VCV003338577.1).